The following is an entry in ClinVar:

ClinVar aggregate classification (germline): Uncertain significance. Review status: criteria provided, multiple submitters, no conflicts (2 of 4 stars). 3 submissions from 3 submitters: Uncertain significance (3). Last evaluated 2025-09-23.

Conditions:
Developmental and epileptic encephalopathy, 14 (DEE14). Also called: Early infantile epileptic encephalopathy 14. Identifiers: Orphanet 293181, MedGen C3554195, MONDO:0013989, OMIM 614959.
Autosomal dominant nocturnal frontal lobe epilepsy 5. Also called: CILIARY DYSKINESIA, PRIMARY, 28, WITH SITUS INVERSUS; KCNT1-Related Epilepsy; CILIARY DYSKINESIA, PRIMARY, 28, WITHOUT SITUS INVERSUS; Epilepsy, nocturnal frontal lobe, 5. Identifiers: Orphanet 98784, MedGen C3554306, MONDO:0014002, OMIM 615005.

Allele frequency attached by ClinVar (database versions not stated): ExAC below 0.00001; gnomAD exomes 0.00001 and 0.00005; TOPMed 0.00001; gnomAD 0.00003.
gnomAD v4.1: 21 of 1,522,618 alleles (0.0014%); highest among the groups gnomAD compares: East Asian, 0.018%; no homozygotes.

Submissions (3):

Labcorp Genetics (formerly Invitae), Labcorp
Classification: Uncertain significance for Autosomal dominant nocturnal frontal lobe epilepsy 5; Developmental and epileptic encephalopathy, 14. Last evaluated: 2025-09-23. Review status: criteria provided, single submitter. Criteria: Invitae Variant Classification Sherloc (09022015). Collection method: clinical testing. Allele origin: germline.
Comment: This sequence change replaces arginine, which is basic and polar, with glutamine, which is neutral and polar, at codon 706 of the KCNT1 protein (p.Arg706Gln). This variant is present in population databases (rs761289867, gnomAD 0.06%), and has an allele count higher than expected for a pathogenic variant. This variant has not been reported in the literature in individuals affected with KCNT1-related conditions. ClinVar contains an entry for this variant (Variation ID: 953580). Invitae Evidence Modeling of protein sequence and biophysical properties (such as structural, functional, and spatial information, amino acid conservation, physicochemical variation, residue mobility, and thermodynamic stability) indicates that this missense variant is not expected to disrupt KCNT1 protein function with a negative predictive value of 80%. In summary, the available evidence is currently insufficient to determine the role of this variant in disease. Therefore, it has been classified as a Variant of Uncertain Significance.

Blueprint Genetics
Classification: Uncertain significance. Last evaluated: 2023-09-20. Review status: criteria provided, single submitter. Criteria: ACMG Guidelines, 2015. Collection method: clinical testing. Allele origin: germline.

GeneDx
Classification: Uncertain significance. Last evaluated: 2023-05-29. Review status: criteria provided, single submitter. Criteria: GeneDx Variant Classification Process June 2021. Collection method: clinical testing. Allele origin: germline. Affected: yes.
Comment: In silico analysis supports that this missense variant has a deleterious effect on protein structure/function; Has not been previously published as pathogenic or benign to our knowledge

NM_020822.3(KCNT1):c.2117G>A (p.Arg706Gln)

Gene: KCNT1 (potassium sodium-activated channel subfamily T member 1; plus strand). Cytogenetic location: 9q34.3.
Variant type: single nucleotide variant.
Coding change: c.2117G>A on transcript NM_020822.3 (MANE Select); coding-DNA position 2117, G replaced by A.
Protein change: p.Arg706Gln; replaces arginine 706 with glutamine.
Molecular consequence: missense variant.
Genome position (GRCh38, 1-based): chr9:135,772,823, G>A. VCF-style: chr9-135772823-G-A. GRCh37 (hg19) VCF-style: chr9-138664669-G-A.
Other names: c.1982G>A, p.Arg661Gln (NM_001272003.2); short protein forms R661Q, R706Q.
Identifiers: ClinVar variation 953580 (VCV000953580.9), dbSNP rs761289867, ClinGen allele CA5327189.